The following is an entry in ClinVar:

ClinVar aggregate classification (germline): Uncertain significance (1 of 4 stars; one submission).

Allele frequency attached by ClinVar (database versions not stated): TOPMed 0.00001.
gnomAD v4.1: 1 of 1,614,006 alleles (0.000062%); highest among the groups gnomAD compares: East Asian, 0.0022%; no homozygotes.

Submission:

GeneDx
Classification: Uncertain significance. Last evaluated: 2015-12-31. Review status: criteria provided, single submitter. Criteria: GeneDx Variant Classification (06012015). Collection method: clinical testing. Allele origin: germline. Affected: yes.
Comment: A variant of uncertain significance has been identified in the CLN6 gene. The R250G variant has notbeen published as a pathogenic variant, nor has it been reported as a benign variant to our knowledge.It was not observed in approximately 6,500 individuals of European and African American ancestry inthe NHLBI Exome Sequencing Project, indicating it is not a common benign variant in thesepopulations. The R250G variant is a non-conservative amino acid substitution, which is likely toimpact secondary protein structure as these residues differ in polarity, charge, size and/or otherproperties. Multiple missense variants in nearby residues have been reported in Human Gene MutationDatabase in association with late-infantile neuronal ceroid lipofuscinosis (vLINCL) (Stenson et al.,2014), supporting the functional importance of this region of the protein. However, this substitutionoccurs at a position where amino acids with similar properties to Arginine are tolerated across speciesand in silico analysis is inconsistent in its predictions as to whether or not the variant is damaging tothe protein structure/function. Therefore, based on the currently available information, it is unclearwhether this variant is a pathogenic variant or a rare benign variant.

NM_017882.3(CLN6):c.748C>G (p.Arg250Gly)

Gene: CLN6 (CLN6 transmembrane ER protein; minus strand). Cytogenetic location: 15q23.
Variant type: single nucleotide variant.
Coding change: c.748C>G on transcript NM_017882.3 (MANE Select); coding-DNA position 748, C replaced by G.
Protein change: p.Arg250Gly; replaces arginine 250 with glycine.
Molecular consequence: missense variant.
Genome position (GRCh38, 1-based): chr15:68,208,328, G>C on the plus strand (C>G on the coding strand, the complement: CLN6 is on the minus strand). VCF-style: chr15-68208328-G-C. GRCh37 (hg19) VCF-style: chr15-68500666-G-C.
Other names: short protein forms R250G.
Identifiers: ClinVar variation 420301 (VCV000420301.2), dbSNP rs950362413, ClinGen allele CA16619998.